The following is an entry in ClinVar:

ClinVar aggregate classification (germline): Uncertain significance (1 of 4 stars; one submission).

Conditions:
Developmental delay, impaired speech, and behavioral abnormalities. Identifiers: MedGen C5561957, MONDO:0859178, OMIM 619475.

Submission:

3billion
Classification: Uncertain significance for Developmental delay, impaired speech, and behavioral abnormalities. Last evaluated: 2025-06-05. Review status: criteria provided, single submitter. Criteria: ACMG Guidelines, 2015. Collection method: clinical testing. Allele origin: germline. Affected: yes.
Comment: The variant is not observed in the gnomAD v4.1.0 dataset. Predicted Consequence/Location: Intron variant In silico tools predict the variant to alter splicing and produce an abnormal transcript [SpliceAI: 0.24 (>=0.2, moderate evidence for spliceogenicity)]. Therefore, this variant is classified as VUS according to the recommendation of ACMG/AMP guideline.

NM_003128.3(SPTBN1):c.149-11366G>T

Gene: SPTBN1 (spectrin beta, non-erythrocytic 1; plus strand). Cytogenetic location: 2p16.2.
Variant type: single nucleotide variant.
Coding change: c.149-11366G>T on transcript NM_003128.3 (MANE Select); 11366 bases into the intron before coding-DNA position 149, G replaced by T.
Molecular consequence: intron variant.
Genome position (GRCh38, 1-based): chr2:54,587,726, G>T. VCF-style: chr2-54587726-G-T. GRCh37 (hg19) VCF-style: chr2-54814863-G-T.
Other names: c.110-11366G>T (NM_178313.3).
Identifiers: ClinVar variation 4856111 (VCV004856111.1).
Genomic context (GRCh38, chr2:54,587,726, plus strand): 5'-CTGGAAAGTTGGAAGATCAGGCCTCAAGCTGTTCCACCCTTCTCATCCTTTGAAGGTGAG[G>T]GTGCAGCCTTGAGGTCTAGCCTGTGGTGATTACCATAGTTTGTCCCTCCTGCCAAATGGG-3'